The following is an entry in ClinVar:

NM_198253.3(TERT):c.2401G>T (p.Ala801Ser)

Gene: TERT (telomerase reverse transcriptase; minus strand). Cytogenetic location: 5p15.33.
Variant type: single nucleotide variant.
Coding change: c.2401G>T on transcript NM_198253.3 (MANE Select); coding-DNA position 2401, G replaced by T.
Protein change: p.Ala801Ser; replaces alanine 801 with serine.
Molecular consequence: missense variant.
Genome position (GRCh38, 1-based): chr5:1,271,186, C>A on the plus strand (G>T on the coding strand, the complement: TERT is on the minus strand). VCF-style: chr5-1271186-C-A. GRCh37 (hg19) VCF-style: chr5-1271301-C-A.
Other names: c.2401G>T, p.Ala801Ser (NM_001193376.3, NM_003219.1); short protein forms A801S.
Identifiers: ClinVar variation 2172331 (VCV002172331.4), dbSNP rs1749006856, ClinGen allele CA359075820.

ClinVar aggregate classification (germline): Uncertain significance (1 of 4 stars; one submission).

Conditions:
Dyskeratosis congenita, autosomal dominant 2. Identifiers: MedGen C3151443, MONDO:0013521, OMIM 613989.
Idiopathic Pulmonary Fibrosis. Also called: Idiopathic fibrosing alveolitis, chronic form; idiopathic fibrosing alveolitis. Identifiers: Orphanet 2032, MedGen C1800706, MeSH D054990, MONDO:0800504.

Submission:

Labcorp Genetics (formerly Invitae), Labcorp
Classification: Uncertain significance for Dyskeratosis congenita, autosomal dominant 2; Idiopathic Pulmonary Fibrosis. Last evaluated: 2022-05-25. Review status: criteria provided, single submitter. Criteria: Invitae Variant Classification Sherloc (09022015). Collection method: clinical testing. Allele origin: germline.
Comment: In summary, the available evidence is currently insufficient to determine the role of this variant in disease. Therefore, it has been classified as a Variant of Uncertain Significance. Advanced modeling of protein sequence and biophysical properties (such as structural, functional, and spatial information, amino acid conservation, physicochemical variation, residue mobility, and thermodynamic stability) performed at Invitae indicates that this missense variant is not expected to disrupt TERT protein function. This variant has not been reported in the literature in individuals affected with TERT-related conditions. This variant is not present in population databases (gnomAD no frequency). This sequence change replaces alanine, which is neutral and non-polar, with serine, which is neutral and polar, at codon 801 of the TERT protein (p.Ala801Ser).